The following is an entry in ClinVar:

NM_000340.2(SLC2A2):c.496+8AC[20]

Gene: SLC2A2 (solute carrier family 2 member 2; minus strand). Cytogenetic location: 3q26.2.
Variant type: Microsatellite.
Coding change: c.496+8AC[20] on transcript NM_000340.2 (MANE Select); 20 copies in a row of the 2-base unit AC starting at c.496+8; the reference has 19 copies in a row; one copy, 2 bases duplicated.
Molecular consequence: intron variant.
Genome position (GRCh38, 1-based): chr3:171,009,913-171,009,914, GT duplicated on the plus strand (AC on the coding strand, the reverse complement: SLC2A2 is on the minus strand); duplicating any 2 consecutive bases within chr3:171,009,913-171,009,951 gives the same sequence; the position shown is the placement nearest the transcript's 3' end. VCF-style (leftmost placement, unchanged base first): chr3-171009912-G-GGT. GRCh37 (hg19) VCF-style: chr3-170727701-G-GGT.
Other names: p.?; c.139+8AC[20] (NM_001278658.2); c.-23-2687AC[20] (NM_001278659.2); c.496+44_496+45dup (NM_000340.2).
Identifiers: ClinVar variation 1246907 (VCV001246907.3), dbSNP rs71176588, ClinGen allele CA2702669.
Genomic context (GRCh38, chr3:171,009,912, plus strand): 5'-CTCAAAAATATCCCTGAGTGCTACCACATCCGCCTTTAGAGTTACTTTCAGACAAAGGTA[G>GGT]GTGTGTGTGTGTGTGTGTGTGTGTGTGTGTGTGTGTGTGACTTACCACAATATAGTCCTG-3'

ClinVar aggregate classification (germline): Benign. Review status: criteria provided, multiple submitters, no conflicts (2 of 4 stars). 2 submissions from 2 submitters: Benign (2). Last evaluated 2024-12-23.

Submissions (2):

Mayo Clinic Laboratories, Mayo Clinic
Classification: Benign. Last evaluated: 2024-12-23. Review status: criteria provided, single submitter. Criteria: ACMG Guidelines, 2015. Collection method: clinical testing. Allele origin: germline. Observed: 1 variant allele.
Comment: BA1, BP4, BP7

GeneDx
Classification: Benign. Last evaluated: 2020-08-28. Review status: criteria provided, single submitter. Criteria: GeneDx Variant Classification Process June 2021. Collection method: clinical testing. Allele origin: germline. Affected: yes.